The following is an entry in ClinVar:

ClinVar aggregate classification (germline): Likely benign. Review status: criteria provided, multiple submitters, no conflicts (2 of 4 stars). 2 submissions from 2 submitters: Likely benign (2). Last evaluated 2017-04-27.

Conditions:
Spondyloepiphyseal dysplasia tarda (SEDT). Also called: SPONDYLOEPIPHYSEAL DYSPLASIA, LATE. Identifiers: Orphanet 93284, MedGen CN033239, MONDO:0019667.

Allele frequency attached by ClinVar (database versions not stated): gnomAD 0.00973 and 0.01037; TOPMed 0.01172; 1000 Genomes Project 0.02675; 1000 Genomes Project 30x 0.02789.

Submissions (2):

Illumina Laboratory Services, Illumina
Classification: Likely benign for Spondyloepiphyseal dysplasia tarda, X-linked. Last evaluated: 2017-04-27. Review status: criteria provided, single submitter. Criteria: ICSL Variant Classification Criteria 13 December 2019. Collection method: clinical testing. Allele origin: germline.
Comment: This variant was observed as part of a predisposition screen in an ostensibly healthy population. A literature search was performed for the gene, cDNA change, and amino acid change (where applicable). No publications were found based on this search. Allele frequency data from public databases allowed determination this variant is unlikely to cause disease. Therefore, this variant is classified as likely benign.

Breakthrough Genomics
Classification: Likely benign. Review status: criteria provided, single submitter. Criteria: ACMG Guidelines, 2015. Collection method: not provided. Allele origin: germline. Inheritance: X-linked recessive inheritance. Affected: yes.

NM_001011658.4(TRAPPC2):c.*1229C>T

Gene: TRAPPC2 (trafficking protein particle complex subunit 2; minus strand). Cytogenetic location: Xp22.2.
Variant type: single nucleotide variant.
Coding change: c.*1229C>T on transcript NM_001011658.4 (MANE Select); 1229 bases downstream of the stop codon, C replaced by T.
Molecular consequence: 3 prime UTR variant.
Genome position (GRCh38, 1-based): chrX:13,713,178, G>A on the plus strand (C>T on the coding strand, the complement: TRAPPC2 is on the minus strand). VCF-style: chrX-13713178-G-A. GRCh37 (hg19) VCF-style: chrX-13731297-G-A.
Other names: c.*1229C>T (NM_001128835.3, NM_014563.6).
Identifiers: ClinVar variation 367971 (VCV000367971.6), dbSNP rs141809461, ClinGen allele CA10654262.